The following is an entry in ClinVar:

NM_001853.4(COL9A3):c.967C>A (p.Arg323Ser)

Gene: COL9A3 (collagen type IX alpha 3 chain; plus strand). Cytogenetic location: 20q13.33.
Variant type: single nucleotide variant.
Coding change: c.967C>A on transcript NM_001853.4 (MANE Select); coding-DNA position 967, C replaced by A.
Protein change: p.Arg323Ser; replaces arginine 323 with serine.
Molecular consequence: missense variant.
Genome position (GRCh38, 1-based): chr20:62,828,935, C>A. VCF-style: chr20-62828935-C-A. GRCh37 (hg19) VCF-style: chr20-61460287-C-A.
Other names: short protein forms R323S.
Identifiers: ClinVar variation 1961575 (VCV001961575.5), dbSNP rs1412505349, ClinGen allele CA409593158.
Genomic context (GRCh38, chr20:62,828,935, plus strand): 5'-CCCGAGGCCTCAGCCTCCCCTTCCGCACCCCAATCTCTGTCCTCACAGGGAGAGGCTGGT[C>A]GCAACGGTGCTCCGGGAGAGAAGGGCCCCAACGGGCTGCCGGTGAGTGCCCGGCGGGTGG-3'
Protein context (NP_001844.3, residues 313-333): GLDGQKGEAG[Arg323Ser]NGAPGEKGPN

ClinVar aggregate classification (germline): Uncertain significance (1 of 4 stars; one submission).

gnomAD v4.1: 2 of 1,611,650 alleles (0.00012%); highest among the groups gnomAD compares: Admixed American, 0.0017%; no homozygotes.

Submission:

Labcorp Genetics (formerly Invitae), Labcorp
Classification: Uncertain significance. Last evaluated: 2023-11-03. Review status: criteria provided, single submitter. Criteria: Invitae Variant Classification Sherloc (09022015). Collection method: clinical testing. Allele origin: germline.
Comment: This sequence change replaces arginine, which is basic and polar, with serine, which is neutral and polar, at codon 323 of the COL9A3 protein (p.Arg323Ser). The frequency data for this variant in the population databases is considered unreliable, as metrics indicate poor data quality at this position in the gnomAD database. This variant has not been reported in the literature in individuals affected with COL9A3-related conditions. ClinVar contains an entry for this variant (Variation ID: 1961575). Advanced modeling of protein sequence and biophysical properties (such as structural, functional, and spatial information, amino acid conservation, physicochemical variation, residue mobility, and thermodynamic stability) performed at Invitae indicates that this missense variant is not expected to disrupt COL9A3 protein function with a negative predictive value of 95%. In summary, the available evidence is currently insufficient to determine the role of this variant in disease. Therefore, it has been classified as a Variant of Uncertain Significance.